The following is an entry in ClinVar:

NM_001486.4(GCKR):c.428+1dup

Gene: GCKR (glucokinase regulator; plus strand). Cytogenetic location: 2p23.3.
Variant type: Duplication.
Coding change: c.428+1dup on transcript NM_001486.4 (MANE Select); the canonical splice donor site of the intron after coding-DNA position 428, one base duplicated (G; older notation c.428+1dupG).
Molecular consequence: splice donor variant.
Genome position (GRCh38, 1-based): chr2:27,498,798, G duplicated; the last of 2 consecutive G bases (chr2:27,498,797-27,498,798); duplicating either gives the same sequence. VCF-style (leftmost placement, unchanged base first): chr2-27498796-A-AG. GRCh37 (hg19) VCF-style: chr2-27721663-A-AG.
Identifiers: ClinVar variation 4813907 (VCV004813907.1).

ClinVar aggregate classification (germline): Uncertain significance (1 of 4 stars; one submission).

Submission:

GeneDx
Classification: Uncertain significance. Last evaluated: 2025-09-19. Review status: criteria provided, single submitter. Criteria: GeneDx Variant Classification Process June 2021. Collection method: clinical testing. Allele origin: germline. Affected: yes.
Comment: Canonical splice site variant in a gene or region of a gene for which loss of function is not a well-established mechanism of disease; Has not been previously published as pathogenic or benign to our knowledge; Not observed at significant frequency in large population cohorts (gnomAD)